The following is an entry in ClinVar:

ClinVar aggregate classification (germline): Pathogenic (1 of 4 stars; one submission).

gnomAD v4.1: 5 of 1,613,736 alleles (0.00031%); highest among the groups gnomAD compares: Non-Finnish European, 0.00042%; no homozygotes.

Submission:

Labcorp Genetics (formerly Invitae), Labcorp
Classification: Pathogenic. Last evaluated: 2023-12-23. Review status: criteria provided, single submitter. Criteria: Invitae Variant Classification Sherloc (09022015). Collection method: clinical testing. Allele origin: germline.
Comment: This sequence change creates a premature translational stop signal (p.Glu176*) in the HPS3 gene. It is expected to result in an absent or disrupted protein product. Loss-of-function variants in HPS3 are known to be pathogenic (PMID: 11590544). This variant is present in population databases (no rsID available, gnomAD 0.0009%). This variant has not been reported in the literature in individuals affected with HPS3-related conditions. Algorithms developed to predict the effect of sequence changes on RNA splicing suggest that this variant may create or strengthen a splice site. For these reasons, this variant has been classified as Pathogenic.

Literature cited by the submitters: PubMed 11590544.

NM_032383.5(HPS3):c.526G>T (p.Glu176Ter)

Gene: HPS3 (HPS3 biogenesis of lysosomal organelles complex 2 subunit 1; plus strand). Cytogenetic location: 3q24.
Variant type: single nucleotide variant.
Coding change: c.526G>T on transcript NM_032383.5 (MANE Select); coding-DNA position 526, G replaced by T.
Protein change: p.Glu176Ter; replaces glutamic acid 176 with a stop codon.
Molecular consequence: nonsense. On other transcripts: intron variant (1).
Genome position (GRCh38, 1-based): chr3:149,140,312, G>T. VCF-style: chr3-149140312-G-T. GRCh37 (hg19) VCF-style: chr3-148858099-G-T.
Other names: c.218-705G>T (NM_001308258.2); short protein forms E176*.
Identifiers: ClinVar variation 2873368 (VCV002873368.3), dbSNP rs1425760255, ClinGen allele CA354912120.